The following is an entry in ClinVar:

NC_000007.14:g.128851458dup

Genes: FLNC (filamin C; plus strand), FLNC-AS1 (FLNC antisense RNA 1; minus strand). Cytogenetic location: 7q32.1.
Variant type: Duplication.
Molecular consequence: non-coding transcript variant (on NR_149055.1).
Genome position: GRCh38 VCF-style: chr7-128851453-A-AG. GRCh37 (hg19) VCF-style: chr7-128491507-A-AG.
Identifiers: ClinVar variation 4812491 (VCV004812491.1).

ClinVar aggregate classification (germline): Pathogenic (1 of 4 stars; one submission).

Conditions:
Hypertrophic cardiomyopathy 26. Also called: Cardiomyopathy, familial hypertrophic, 26. Identifiers: Orphanet 75249, MedGen C4310749, MONDO:0014883, OMIM 617047.
Myofibrillar myopathy 5. Also called: Filaminopathy (type); FILAMINOPATHY, AUTOSOMAL DOMINANT. Identifiers: Orphanet 171445, MedGen C1836050, MONDO:0012289, OMIM 609524.
Distal myopathy with posterior leg and anterior hand involvement. Also called: WILLIAMS DISTAL MYOPATHY. Identifiers: Orphanet 63273, MedGen C3279722, MONDO:0013550, OMIM 614065.

Submission:

Labcorp Genetics (formerly Invitae), Labcorp
Classification: Pathogenic for Distal myopathy with posterior leg and anterior hand involvement; Myofibrillar myopathy 5; Hypertrophic cardiomyopathy 26. Last evaluated: 2025-05-27. Review status: criteria provided, single submitter. Criteria: Invitae Variant Classification Sherloc (09022015). Collection method: clinical testing. Allele origin: germline.
Comment: This sequence change creates a premature translational stop signal (p.Leu1892Serfs*16) in the FLNC gene. It is expected to result in an absent or disrupted protein product. Loss-of-function variants in FLNC are known to be pathogenic (PMID: 27908349). This variant is not present in population databases (gnomAD no frequency). This variant has not been reported in the literature in individuals affected with FLNC-related conditions. Algorithms developed to predict the effect of sequence changes on RNA splicing suggest that this variant may disrupt the consensus splice site. For these reasons, this variant has been classified as Pathogenic.

Literature cited by the submitters: PubMed 27908349.